The following is an entry in ClinVar:

ClinVar aggregate classification (germline): Uncertain significance (1 of 4 stars; one submission).

Submission:

GeneDx
Classification: Uncertain significance. Last evaluated: 2022-07-01. Review status: criteria provided, single submitter. Criteria: GeneDx Variant Classification Process June 2021. Collection method: clinical testing. Allele origin: germline. Affected: yes.
Comment: Not observed at significant frequency in large population cohorts (gnomAD); In silico analysis supports that this missense variant does not alter protein structure/function; Has not been previously published as pathogenic or benign to our knowledge

NM_001329943.3(KIAA0586):c.2320G>C (p.Val774Leu)

Gene: KIAA0586 (KIAA0586; plus strand). Cytogenetic location: 14q23.1.
Variant type: single nucleotide variant.
Coding change: c.2320G>C on transcript NM_001329943.3 (MANE Select); coding-DNA position 2320, G replaced by C.
Protein change: p.Val774Leu; replaces valine 774 with leucine.
Molecular consequence: missense variant.
Genome position (GRCh38, 1-based): chr14:58,467,800, G>C. VCF-style: chr14-58467800-G-C. GRCh37 (hg19) VCF-style: chr14-58934518-G-C.
Other names: c.2479G>C, p.Val827Leu (NM_001244189.2); c.2275G>C, p.Val759Leu (NM_001244190.2); c.2065G>C, p.Val689Leu (NM_001244191.2, NM_001329945.2, NM_001364700.1 and 1 more transcripts); c.2188G>C, p.Val730Leu (NM_001244192.2); c.1900G>C, p.Val634Leu (NM_001244193.2); c.2320G>C, p.Val774Leu (NM_001329944.2, NM_001329946.2, NM_001329947.2); c.2092G>C, p.Val698Leu (NM_014749.5); short protein forms V634L, V689L, V698L, V730L, V759L, V774L, V827L.
Identifiers: ClinVar variation 1809825 (VCV001809825.1), dbSNP rs1377658072, ClinGen allele CA389875157.
Genomic context (GRCh38, chr14:58,467,800, plus strand): 5'-ACCCAAAGTAATAGTGATACCATGCCACCTGCTGGAGTGATTGTCAGCAAGCCACACCCT[G>C]TAACTGTGACTACTTCTATTCCTCCATCATCTCGAAAAGTAGAAACTGGAGTAAAGAAAC-3'
Protein context (NP_001316872.1, residues 764-784): AGVIVSKPHP[Val774Leu]TVTTSIPPSS